The following is an entry in ClinVar:

NM_006364.4(SEC23A):c.1437C>G (p.Ile479Met)

Gene: SEC23A (SEC23 homolog A, COPII component; minus strand). Cytogenetic location: 14q21.1.
Variant type: single nucleotide variant.
Coding change: c.1437C>G on transcript NM_006364.4 (MANE Select); coding-DNA position 1437, C replaced by G.
Protein change: p.Ile479Met; replaces isoleucine 479 with methionine.
Molecular consequence: missense variant.
Genome position (GRCh38, 1-based): chr14:39,061,833, G>C on the plus strand (C>G on the coding strand, the complement: SEC23A is on the minus strand). VCF-style: chr14-39061833-G-C. GRCh37 (hg19) VCF-style: chr14-39531037-G-C.
Other names: short protein forms I479M.
Identifiers: ClinVar variation 4707317 (VCV004707317.1).
Genomic context (GRCh38, chr14:39,061,833, plus strand): 5'-AATGGTGGTCACTCGGATGCGTCTCTGCCCACTTGAATGCTGATACTGAGTCACAAACTG[G>C]ATTGCACCACGCCCTCCTTGAGGAATTGGAGCATTATGCTGTATAAATATAATGGAGTAA-3'
Protein context (NP_006355.2, residues 469-489): APIPQGGRGA[Ile479Met]QFVTQYQHSS

ClinVar aggregate classification (germline): Uncertain significance (1 of 4 stars; one submission).

Conditions:
Craniolenticulosutural dysplasia (CLSD). Also called: BOYADJIEV-JABS SYNDROME. Identifiers: Orphanet 50814, MedGen C1843042, MONDO:0011911, OMIM 607812.

gnomAD v4.1: 8 of 1,613,940 alleles (0.0005%); highest among the groups gnomAD compares: Non-Finnish European, 0.00068%; no homozygotes.

Submission:

Labcorp Genetics (formerly Invitae), Labcorp
Classification: Uncertain significance for Craniolenticulosutural dysplasia. Last evaluated: 2025-05-31. Review status: criteria provided, single submitter. Criteria: Invitae Variant Classification Sherloc (09022015). Collection method: clinical testing. Allele origin: germline.
Comment: This sequence change replaces isoleucine, which is neutral and non-polar, with methionine, which is neutral and non-polar, at codon 479 of the SEC23A protein (p.Ile479Met). This variant is present in population databases (rs774786642, gnomAD 0.0009%). This variant has not been reported in the literature in individuals affected with SEC23A-related conditions. Invitae Evidence Modeling of protein sequence and biophysical properties (such as structural, functional, and spatial information, amino acid conservation, physicochemical variation, residue mobility, and thermodynamic stability) indicates that this missense variant is not expected to disrupt SEC23A protein function with a negative predictive value of 80%. In summary, the available evidence is currently insufficient to determine the role of this variant in disease. Therefore, it has been classified as a Variant of Uncertain Significance.